The following is an entry in ClinVar:

ClinVar aggregate classification (germline): Uncertain significance (1 of 4 stars; one submission).

Submission:

Labcorp Genetics (formerly Invitae), Labcorp
Classification: Uncertain significance. Last evaluated: 2024-12-27. Review status: criteria provided, single submitter. Criteria: Invitae Variant Classification Sherloc (09022015). Collection method: clinical testing. Allele origin: germline.
Comment: This sequence change replaces methionine, which is neutral and non-polar, with valine, which is neutral and non-polar, at codon 111 of the POLE2 protein (p.Met111Val). This variant is present in population databases (rs781352064, gnomAD 0.006%). This variant has not been reported in the literature in individuals affected with POLE2-related conditions. An algorithm developed to predict the effect of missense changes on protein structure and function (PolyPhen-2) suggests that this variant is likely to be tolerated. In summary, the available evidence is currently insufficient to determine the role of this variant in disease. Therefore, it has been classified as a Variant of Uncertain Significance.

NM_002692.4(POLE2):c.331A>G (p.Met111Val)

Gene: POLE2 (DNA polymerase epsilon 2, accessory subunit; minus strand). Cytogenetic location: 14q21.3.
Variant type: single nucleotide variant.
Coding change: c.331A>G on transcript NM_002692.4 (MANE Select); coding-DNA position 331, A replaced by G.
Protein change: p.Met111Val; replaces methionine 111 with valine.
Molecular consequence: missense variant.
Genome position (GRCh38, 1-based): chr14:49,674,209, T>C on the plus strand (A>G on the coding strand, the complement: POLE2 is on the minus strand). VCF-style: chr14-49674209-T-C. GRCh37 (hg19) VCF-style: chr14-50140927-T-C.
Other names: c.253A>G, p.Met85Val (NM_001197330.2); c.331A>G, p.Met111Val (NM_001197331.3, NM_001348384.2); c.100A>G, p.Met34Val (NM_001348385.2); short protein forms M111V, M34V, M85V.
Identifiers: ClinVar variation 3682567 (VCV003682567.2).
Genomic context (GRCh38, chr14:49,674,209, plus strand): 5'-GAAACATCTCTGCTTTATCTCTTGGTGTTCCAAATAAATTTGGTGCAGGGTGGTTGGTCA[T>C]TAACAGACTAGAAAAAGAGAATGCCTATTTTTGACTATCATAATACACAAAGGTGAGCCA-3'
Protein context (NP_002683.2, residues 101-121): SERKKFLPLL[Met111Val]TNHPAPNLFG